The following is an entry in ClinVar:

ClinVar aggregate classification (germline): Uncertain significance (1 of 4 stars; one submission).

Allele frequency attached by ClinVar (database versions not stated): gnomAD exomes 0.00001.

Submission:

Labcorp Genetics (formerly Invitae), Labcorp
Classification: Uncertain significance. Last evaluated: 2022-05-07. Review status: criteria provided, single submitter. Criteria: Invitae Variant Classification Sherloc (09022015). Collection method: clinical testing. Allele origin: germline.
Comment: This sequence change replaces arginine, which is basic and polar, with histidine, which is basic and polar, at codon 1270 of the CAD protein (p.Arg1270His). This variant is not present in population databases (gnomAD no frequency). This variant has not been reported in the literature in individuals affected with CAD-related conditions. Algorithms developed to predict the effect of missense changes on protein structure and function (SIFT, PolyPhen-2, Align-GVGD) all suggest that this variant is likely to be disruptive. In summary, the available evidence is currently insufficient to determine the role of this variant in disease. Therefore, it has been classified as a Variant of Uncertain Significance.

NM_004341.5(CAD):c.3809G>A (p.Arg1270His)

Gene: CAD (carbamoyl-phosphate synthetase 2, aspartate transcarbamylase, and dihydroorotase; plus strand). Cytogenetic location: 2p23.3.
Variant type: single nucleotide variant.
Coding change: c.3809G>A on transcript NM_004341.5 (MANE Select); coding-DNA position 3809, G replaced by A.
Protein change: p.Arg1270His; replaces arginine 1270 with histidine.
Molecular consequence: missense variant.
Genome position (GRCh38, 1-based): chr2:27,235,267, G>A. VCF-style: chr2-27235267-G-A. GRCh37 (hg19) VCF-style: chr2-27458135-G-A.
Other names: c.3620G>A, p.Arg1207His (NM_001306079.2); short protein forms R1207H, R1270H.
Identifiers: ClinVar variation 2037040 (VCV002037040.4), dbSNP rs2465337053, ClinGen allele CA346216837.